The following is an entry in ClinVar:

NM_147127.5(EVC2):c.1393A>G (p.Lys465Glu)

Genes: EVC2 (EvC ciliary complex subunit 2; minus strand), LOC126806961 (BRD4-independent group 4 enhancer GRCh37_chr4:5641443-5642642; plus strand). Cytogenetic location: 4p16.2.
Variant type: single nucleotide variant.
Coding change: c.1393A>G on transcript NM_147127.5 (MANE Select); coding-DNA position 1393, A replaced by G.
Protein change: p.Lys465Glu; replaces lysine 465 with glutamic acid.
Molecular consequence: missense variant.
Genome position (GRCh38, 1-based): chr4:5,640,591, T>C on the plus strand (A>G on the coding strand, the complement: EVC2 is on the minus strand). VCF-style: chr4-5640591-T-C. GRCh37 (hg19) VCF-style: chr4-5642318-T-C.
Other names: c.1153A>G, p.Lys385Glu (NM_001166136.2); short protein forms K385E, K465E.
Identifiers: ClinVar variation 3762718 (VCV003762718.2).

ClinVar aggregate classification (germline): Uncertain significance (1 of 4 stars; one submission).

Conditions:
Curry-Hall syndrome (WAD). Also called: WEYERS ACRODENTAL DYSOSTOSIS. Identifiers: Orphanet 952, MedGen C0457013, MONDO:0008673, OMIM 193530.
Ellis-van Creveld syndrome (EVC). Also called: EVC-Related Ellis-van Creveld Syndrome; EVC2-Related Ellis-van Creveld Syndrome; MESOECTODERMAL DYSPLASIA; Chondroectodermal dysplasia. Identifiers: Orphanet 289, MedGen C0013903, MONDO:0009162, OMIM 225500.

gnomAD v4.1: 4 of 1,614,058 alleles (0.00025%); highest among the groups gnomAD compares: Admixed American, 0.0017%; no homozygotes.

Submission:

Labcorp Genetics (formerly Invitae), Labcorp
Classification: Uncertain significance for Curry-Hall syndrome; Ellis-van Creveld syndrome. Last evaluated: 2024-05-31. Review status: criteria provided, single submitter. Criteria: Invitae Variant Classification Sherloc (09022015). Collection method: clinical testing. Allele origin: germline.
Comment: This sequence change replaces lysine, which is basic and polar, with glutamic acid, which is acidic and polar, at codon 465 of the EVC2 protein (p.Lys465Glu). This variant is not present in population databases (gnomAD no frequency). This variant has not been reported in the literature in individuals affected with EVC2-related conditions. An algorithm developed to predict the effect of missense changes on protein structure and function (PolyPhen-2) suggests that this variant is likely to be disruptive. In summary, the available evidence is currently insufficient to determine the role of this variant in disease. Therefore, it has been classified as a Variant of Uncertain Significance.